The following is an entry in ClinVar:

NM_005045.4(RELN):c.602T>C (p.Ile201Thr)

Gene: RELN (reelin; minus strand). Cytogenetic location: 7q22.1.
Variant type: single nucleotide variant.
Coding change: c.602T>C on transcript NM_005045.4 (MANE Select); coding-DNA position 602, T replaced by C.
Protein change: p.Ile201Thr; replaces isoleucine 201 with threonine.
Molecular consequence: missense variant.
Genome position (GRCh38, 1-based): chr7:103,749,480, A>G on the plus strand (T>C on the coding strand, the complement: RELN is on the minus strand). VCF-style: chr7-103749480-A-G. GRCh37 (hg19) VCF-style: chr7-103389927-A-G.
Other names: c.602T>C, p.Ile201Thr (NM_173054.3); short protein forms I201T.
Identifiers: ClinVar variation 2127509 (VCV002127509.4), dbSNP rs752821338, ClinGen allele CA4422510.
Genomic context (GRCh38, chr7:103,749,480, plus strand): 5'-ACTTACCATATATTTGGATTTAATTGCAGTTGGTGGTAGGAGTCAAAGTCATCTCTCAGG[A>G]TAATGCTGTCACTATGTATTTCAGCTAAAAGAAAAAGGAAGTATTTAGGAAAGAAATATA-3'
Protein context (NP_005036.2, residues 191-211): HLAEIHSDSI[Ile201Thr]LRDDFDSYHQ

ClinVar aggregate classification (germline): Uncertain significance (1 of 4 stars; one submission).

Conditions:
Norman-Roberts syndrome (LIS2). Also called: Lissencephaly 2 (Norman-Roberts type). Identifiers: Orphanet 89844, MedGen C0796089, MONDO:0009760, OMIM 257320.
Familial temporal lobe epilepsy 7. Identifiers: Orphanet 101046, MedGen C4225327, MONDO:0014639, OMIM 616436.

Allele frequency attached by ClinVar (database versions not stated): ExAC 0.00001.
gnomAD v4.1: 4 of 1,612,860 alleles (0.00025%); highest among the groups gnomAD compares: Non-Finnish European, 0.00034%; no homozygotes.

Submission:

Labcorp Genetics (formerly Invitae), Labcorp
Classification: Uncertain significance for Familial temporal lobe epilepsy 7; Norman-Roberts syndrome. Last evaluated: 2022-04-18. Review status: criteria provided, single submitter. Criteria: Invitae Variant Classification Sherloc (09022015). Collection method: clinical testing. Allele origin: germline.
Comment: In summary, the available evidence is currently insufficient to determine the role of this variant in disease. Therefore, it has been classified as a Variant of Uncertain Significance. Algorithms developed to predict the effect of missense changes on protein structure and function are either unavailable or do not agree on the potential impact of this missense change (SIFT: "Deleterious"; PolyPhen-2: "Benign"; Align-GVGD: "Class C0"). This variant has not been reported in the literature in individuals affected with RELN-related conditions. This variant is present in population databases (rs752821338, gnomAD 0.002%). This sequence change replaces isoleucine, which is neutral and non-polar, with threonine, which is neutral and polar, at codon 201 of the RELN protein (p.Ile201Thr).